The following is an entry in ClinVar:

NM_006005.3(WFS1):c.1145T>C (p.Leu382Pro)

Gene: WFS1 (wolframin ER transmembrane glycoprotein; plus strand). Cytogenetic location: 4p16.1.
Variant type: single nucleotide variant.
Coding change: c.1145T>C on transcript NM_006005.3 (MANE Select); coding-DNA position 1145, T replaced by C.
Protein change: p.Leu382Pro; replaces leucine 382 with proline.
Molecular consequence: missense variant.
Genome position (GRCh38, 1-based): chr4:6,300,940, T>C. VCF-style: chr4-6300940-T-C. GRCh37 (hg19) VCF-style: chr4-6302667-T-C.
Other names: c.1145T>C, p.Leu382Pro (NM_001145853.1); short protein forms L382P.
Identifiers: ClinVar variation 1699545 (VCV001699545.7), dbSNP rs942793250, ClinGen allele CA91796230.

ClinVar aggregate classification (germline): Conflicting classifications of pathogenicity. Review status: criteria provided, conflicting classifications (1 of 4 stars). 5 submissions from 5 submitters: Likely pathogenic (2); Uncertain significance (3). Last evaluated 2026-01-14.

Conditions:
Wolfram-like syndrome. Also called: HEARING LOSS, PROGRESSIVE, WITH OPTIC ATROPHY AND/OR IMPAIRED GLUCOSE REGULATION. Identifiers: Orphanet 411590, MedGen C3280358, MONDO:0013673, OMIM 614296.
WFS1-related disorder. Identifiers: MedGen CN379391, MONDO:0700293.

Allele frequency attached by ClinVar (database versions not stated): gnomAD exomes below 0.00001 and 0.00001; gnomAD 0.00001; TOPMed 0.00002.
gnomAD v4.1: 6 of 1,614,096 alleles (0.00037%); highest among the groups gnomAD compares: Admixed American, 0.005%; no homozygotes.

Submissions (5):

Dasa
Classification: Uncertain significance. Last evaluated: 2026-01-14. Review status: criteria provided, single submitter. Criteria: DASA Assertion Criteria. Collection method: clinical testing. Allele origin: germline.
Comment: NM_006005.3(WFS1):c.1145T>C (p.Leu382Pro) is a missense variant that results in the substitution of leucine with proline. The affected residue or protein region has prior evidence supporting clinical relevance. This variant has been observed in affected individuals with WFS1-related disorders. Also, this variant is rare in population databases. Computational prediction algorithms are consistent with a deleterious effect. The currently available literature and clinical evidence are not sufficient to establish a definitive association between this variant and the reported condition. Therefore, this variant is classified as a variant of uncertain significance.

Labcorp Genetics (formerly Invitae), Labcorp
Classification: Uncertain significance. Last evaluated: 2024-10-17. Review status: criteria provided, single submitter. Criteria: Invitae Variant Classification Sherloc (09022015). Collection method: clinical testing. Allele origin: germline.
Comment: This sequence change replaces leucine, which is neutral and non-polar, with proline, which is neutral and non-polar, at codon 382 of the WFS1 protein (p.Leu382Pro). This variant is present in population databases (no rsID available, gnomAD 0.003%). This missense change has been observed in individual(s) with autosomal recessive Wolfram syndrome (PMID: 19042979). ClinVar contains an entry for this variant (Variation ID: 1699545). Invitae Evidence Modeling of protein sequence and biophysical properties (such as structural, functional, and spatial information, amino acid conservation, physicochemical variation, residue mobility, and thermodynamic stability) has been performed for this missense variant. However, the output from this modeling did not meet the statistical confidence thresholds required to predict the impact of this variant on WFS1 protein function. In summary, the available evidence is currently insufficient to determine the role of this variant in disease. Therefore, it has been classified as a Variant of Uncertain Significance.

Blueprint Genetics
Classification: Likely pathogenic for WFS1-related disorders. Last evaluated: 2023-08-23. Review status: criteria provided, single submitter. Criteria: ACMG Guidelines, 2015. Collection method: clinical testing. Allele origin: germline. Affected: yes. Observed: 2 variant alleles.

Laboratorio de Genetica e Diagnostico Molecular, Hospital Israelita Albert Einstein
Classification: Likely pathogenic for Wolfram-like syndrome. Last evaluated: 2022-04-22. Review status: criteria provided, single submitter. Criteria: ACMG Guidelines, 2015. Collection method: clinical testing. Allele origin: germline. Affected: yes. Observed: 1 variant allele.
Comment: ACMG classification criteria: PS4 supporting, PM2 moderated, PM3 moderated, PP3 supporting

GeneDx
Classification: Uncertain significance. Last evaluated: 2022-02-01. Review status: criteria provided, single submitter. Criteria: GeneDx Variant Classification Process June 2021. Collection method: clinical testing. Allele origin: germline. Affected: yes.
Comment: Not observed at significant frequency in large population cohorts (gnomAD); In silico analysis supports that this missense variant has a deleterious effect on protein structure/function; This variant is associated with the following publications: (PMID: 19042979)

Literature cited by the submitters: PubMed 19042979 (cited by Labcorp Genetics (formerly Invitae), Labcorp).